The following is an entry in ClinVar:

ClinVar aggregate classification (germline): Uncertain significance. Review status: criteria provided, multiple submitters, no conflicts (2 of 4 stars). 2 submissions from 2 submitters: Uncertain significance (2). Last evaluated 2023-11-18.

Conditions:
Inborn genetic diseases. Identifiers: MedGen C0950123, MeSH D030342.

Allele frequency attached by ClinVar (database versions not stated): gnomAD 0.00001; gnomAD exomes 0.00002; TOPMed 0.00002.
gnomAD v4.1: 29 of 1,567,344 alleles (0.0019%); highest among the groups gnomAD compares: Non-Finnish European, 0.0024%; no homozygotes.

Submissions (2):

Ambry Genetics
Classification: Uncertain significance for Inborn genetic diseases. Last evaluated: 2023-11-18. Review status: criteria provided, single submitter. Criteria: Ambry Variant Classification Scheme 2023. Collection method: clinical testing. Allele origin: germline.

Labcorp Genetics (formerly Invitae), Labcorp
Classification: Uncertain significance. Last evaluated: 2022-10-04. Review status: criteria provided, single submitter. Criteria: Invitae Variant Classification Sherloc (09022015). Collection method: clinical testing. Allele origin: germline.
Comment: In summary, the available evidence is currently insufficient to determine the role of this variant in disease. Therefore, it has been classified as a Variant of Uncertain Significance. Algorithms developed to predict the effect of missense changes on protein structure and function are either unavailable or do not agree on the potential impact of this missense change (SIFT: "Deleterious"; PolyPhen-2: "Benign"; Align-GVGD: "Class C0"). ClinVar contains an entry for this variant (Variation ID: 1440960). This variant has not been reported in the literature in individuals affected with SPEG-related conditions. The frequency data for this variant in the population databases is considered unreliable, as metrics indicate poor data quality at this position in the gnomAD database. This sequence change replaces serine, which is neutral and polar, with isoleucine, which is neutral and non-polar, at codon 1988 of the SPEG protein (p.Ser1988Ile).

NM_005876.5(SPEG):c.5963G>T (p.Ser1988Ile)

Genes: ASIC4-AS1 (ASIC4 antisense RNA 1; minus strand), SPEG (striated muscle enriched protein kinase; plus strand). Cytogenetic location: 2q35.
Variant type: single nucleotide variant.
Coding change: c.5963G>T on transcript NM_005876.5 (MANE Select); coding-DNA position 5963, G replaced by T.
Protein change: p.Ser1988Ile; replaces serine 1988 with isoleucine.
Molecular consequence: missense variant.
Genome position (GRCh38, 1-based): chr2:219,483,426, G>T. VCF-style: chr2-219483426-G-T. GRCh37 (hg19) VCF-style: chr2-220348148-G-T.
Other names: c.5963G>T (NM_005876.4); short protein forms S1988I.
Identifiers: ClinVar variation 1440960 (VCV001440960.5), dbSNP rs983680271, ClinGen allele CA65990383.